The following is an entry in ClinVar:

ClinVar aggregate classification (germline): Uncertain significance (1 of 4 stars; one submission).

Submission:

Women's Health and Genetics/Laboratory Corporation of America, LabCorp
Classification: Uncertain significance. Last evaluated: 2025-07-23. Review status: criteria provided, single submitter. Criteria: LabCorp Variant Classification Summary - May 2015. Collection method: clinical testing. Allele origin: germline.
Comment: Variant summary: AEBP1 c.429_461del33 (p.Lys154_Pro164del) results in an in-frame deletion that is predicted to remove 11 amino acids from the encoded protein. The variant was absent in 248038 control chromosomes (gnomAD). The available data on variant occurrences in the general population are insufficient to allow any conclusion about variant significance. To our knowledge, no occurrence of c.429_461del33 in individuals affected with Ehlers-Danlos syndrome, classic-like, 2 and no experimental evidence demonstrating its impact on protein function have been reported. No submitters have cited clinical-significance assessments for this variant to ClinVar. Based on the evidence outlined above, the variant was classified as uncertain significance.

NM_001129.5(AEBP1):c.429_461del (p.121KEKPPKATKKP[3])

Gene: AEBP1 (AE binding protein 1; plus strand). Cytogenetic location: 7p13.
Variant type: Deletion.
Coding change: c.429_461del on transcript NM_001129.5 (MANE Select); coding-DNA positions 429 to 461, 33 bases deleted.
Protein change: p.121KEKPPKATKKP[3].
Genome position (GRCh38, 1-based): chr7:44,106,721-44,106,753, 33 bases deleted; deleting any 33 consecutive bases within chr7:44,106,701-44,106,753 gives the same sequence; the c. name uses the placement nearest the transcript's 3' end. GRCh37 (hg19): chr7:44,146,320-44,146,352.
Other names: c.429_461del33 (NM_001129.5).
Identifiers: ClinVar variation 4526245 (VCV004526245.1).